The following is an entry in ClinVar:

ClinVar aggregate classification (germline): Uncertain significance (1 of 4 stars; one submission).

Conditions:
Myopathy, tubular aggregate, 2 (TAM2). Identifiers: MedGen C4014557, MONDO:0014383, OMIM 615883.
Combined immunodeficiency due to ORAI1 deficiency. Also called: IMMUNODEFICIENCY 9. Identifiers: Orphanet 169090, Orphanet 317428, MedGen C2748568, MONDO:0013007, OMIM 612782.

Allele frequency attached by ClinVar (database versions not stated): gnomAD exomes 0.00001; TOPMed 0.00001.

Submission:

Labcorp Genetics (formerly Invitae), Labcorp
Classification: Uncertain significance for Myopathy, tubular aggregate, 2; Combined immunodeficiency due to ORAI1 deficiency. Last evaluated: 2024-11-05. Review status: criteria provided, single submitter. Criteria: Invitae Variant Classification Sherloc (09022015). Collection method: clinical testing. Allele origin: germline.
Comment: This sequence change replaces threonine, which is neutral and polar, with proline, which is neutral and non-polar, at codon 128 of the ORAI1 protein (p.Thr128Pro). This variant is present in population databases (no rsID available, gnomAD 0.0009%). This variant has not been reported in the literature in individuals affected with ORAI1-related conditions. ClinVar contains an entry for this variant (Variation ID: 2941383). Experimental studies and prediction algorithms are not available or were not evaluated, and the functional significance of this variant is currently unknown. In summary, the available evidence is currently insufficient to determine the role of this variant in disease. Therefore, it has been classified as a Variant of Uncertain Significance.

NM_032790.4(ORAI1):c.382A>C (p.Thr128Pro)

Gene: ORAI1 (ORAI calcium release-activated calcium modulator 1; plus strand). Cytogenetic location: 12q24.31.
Variant type: single nucleotide variant.
Coding change: c.382A>C on transcript NM_032790.4 (MANE Select); coding-DNA position 382, A replaced by C.
Protein change: p.Thr128Pro; replaces threonine 128 with proline.
Molecular consequence: missense variant. On other transcripts: non-coding transcript variant (1).
Genome position (GRCh38, 1-based): chr12:121,641,119, A>C. VCF-style: chr12-121641119-A-C. GRCh37 (hg19) VCF-style: chr12-122079025-A-C.
Other names: short protein forms T128P.
Identifiers: ClinVar variation 2941383 (VCV002941383.3), dbSNP rs1475893363, ClinGen allele CA386983013.
Genomic context (GRCh38, chr12:121,641,119, plus strand): 5'-CAGCTGGACGCTGACCACGACTACCCACCGGGGCTGCTCATCGCCTTCAGTGCCTGCACC[A>C]CAGTGCTGGTGGCTGTGCACCTGTTTGCGCTCATGATCAGCACCTGCATCCTGCCCAACA-3'
Protein context (NP_116179.2, residues 118-138): GLLIAFSACT[Thr128Pro]VLVAVHLFAL